The following is an entry in ClinVar:

ClinVar aggregate classification (germline): Uncertain significance (1 of 4 stars; one submission).

Allele frequency attached by ClinVar (database versions not stated): gnomAD 0.00002.
gnomAD v4.1: 6 of 1,598,886 alleles (0.00038%); highest among the groups gnomAD compares: African/African-American, 0.004%; no homozygotes.

Submission:

Labcorp Genetics (formerly Invitae), Labcorp
Classification: Uncertain significance. Last evaluated: 2023-08-28. Review status: criteria provided, single submitter. Criteria: Invitae Variant Classification Sherloc (09022015). Collection method: clinical testing. Allele origin: germline.
Comment: An algorithm developed to predict the effect of missense changes on protein structure and function (PolyPhen-2) suggests that this variant¬†is likely to be tolerated. ClinVar contains an entry for this variant (Variation ID: 1358798). This variant has not been reported in the literature in individuals affected with WHRN-related conditions. The frequency data for this variant in the population databases is considered unreliable, as metrics indicate poor data quality at this position in the gnomAD database. This sequence change replaces threonine, which is neutral and polar, with alanine, which is neutral and non-polar, at codon 544 of the WHRN protein (p.Thr544Ala). In summary, the available evidence is currently insufficient to determine the role of this variant in disease. Therefore, it has been classified as a Variant of Uncertain Significance.

NM_015404.4(WHRN):c.1630A>G (p.Thr544Ala)

Gene: WHRN (whirlin; minus strand). Cytogenetic location: 9q32.
Variant type: single nucleotide variant.
Coding change: c.1630A>G on transcript NM_015404.4 (MANE Select); coding-DNA position 1630, A replaced by G.
Protein change: p.Thr544Ala; replaces threonine 544 with alanine.
Molecular consequence: missense variant.
Genome position (GRCh38, 1-based): chr9:114,408,015, T>C on the plus strand (A>G on the coding strand, the complement: WHRN is on the minus strand). VCF-style: chr9-114408015-T-C. GRCh37 (hg19) VCF-style: chr9-117170295-T-C.
Other names: c.481A>G, p.Thr161Ala (NM_001083885.3); c.1630A>G, p.Thr544Ala (NM_001173425.2); c.577A>G, p.Thr193Ala (NM_001346890.1); short protein forms T193A, T161A, T544A.
Identifiers: ClinVar variation 1358798 (VCV001358798.7), dbSNP rs767294488, ClinGen allele CA5205868.